The following is an entry in ClinVar:

NM_032322.4(RNF135):c.20G>C (p.Gly7Ala)

Gene: RNF135 (ring finger protein 135; plus strand). Cytogenetic location: 17q11.2.
Variant type: single nucleotide variant.
Coding change: c.20G>C on transcript NM_032322.4 (MANE Select); coding-DNA position 20, G replaced by C.
Protein change: p.Gly7Ala; replaces glycine 7 with alanine.
Molecular consequence: missense variant.
Genome position (GRCh38, 1-based): chr17:30,971,093, G>C. VCF-style: chr17-30971093-G-C. GRCh37 (hg19) VCF-style: chr17-29298111-G-C.
Other names: c.20G>C, p.Gly7Ala (NM_001184992.2, NM_197939.2); short protein forms G7A.
Identifiers: ClinVar variation 931426 (VCV000931426.3), dbSNP rs1905865031, ClinGen allele CA399201062.

ClinVar aggregate classification (germline): Uncertain significance (1 of 4 stars; one submission).

Allele frequency attached by ClinVar (database versions not stated): gnomAD exomes below 0.00001.
gnomAD v4.1: 4 of 1,534,348 alleles (0.00026%); highest among the groups gnomAD compares: Non-Finnish European, 0.00035%; no homozygotes.

Submission:

Centre for Mendelian Genomics, University Medical Centre Ljubljana
Classification: Uncertain significance. Last evaluated: 2019-01-22. Review status: criteria provided, single submitter. Criteria: ACMG Guidelines, 2015. Collection method: clinical testing. Allele origin: unknown. Affected: yes.
Comment: This variant was classified as: Uncertain significance. The available evidence on this variant's pathogenicity is insufficient or conflicting. The following ACMG criteria were applied in classifying this variant: PM2.